The following is an entry in ClinVar:

NM_004863.4(SPTLC2):c.*2966G>A

Gene: SPTLC2 (serine palmitoyltransferase long chain base subunit 2; minus strand). Cytogenetic location: 14q24.3.
Variant type: single nucleotide variant.
Coding change: c.*2966G>A on transcript NM_004863.4 (MANE Select); 2966 bases downstream of the stop codon, G replaced by A.
Molecular consequence: 3 prime UTR variant.
Genome position (GRCh38, 1-based): chr14:77,509,318, C>T on the plus strand (G>A on the coding strand, the complement: SPTLC2 is on the minus strand). VCF-style: chr14-77509318-C-T. GRCh37 (hg19) VCF-style: chr14-77975661-C-T.
Identifiers: ClinVar variation 314615 (VCV000314615.5), dbSNP rs369681276, ClinGen allele CA10646378.
Genomic context (GRCh38, chr14:77,509,318, plus strand): 5'-TTGAAAAAGTGCTATAAAGTCCATGCCCCTGCTAAGTTAAAGCTTAAAAAAAAAAAGATG[C>T]GAGGAGAAACCGCCACTGCTGCTTGGTCCACTCCTCATATGGGCTTTTGACATCTCCTAG-3'

ClinVar aggregate classification (germline): Benign (1 of 4 stars; one submission).

Conditions:
Neuropathy, hereditary sensory and autonomic, type 1C. Also called: HSAN IC; HSN IC. Identifiers: Orphanet 36386, MedGen C3150896, MONDO:0013337, OMIM 613640.

Allele frequency attached by ClinVar (database versions not stated): gnomAD 0.00061 and 0.00081; TOPMed 0.00100; 1000 Genomes Project 30x 0.00344; 1000 Genomes Project 0.00379.

Submission:

Illumina Laboratory Services, Illumina
Classification: Benign for Neuropathy, hereditary sensory and autonomic, type 1C. Last evaluated: 2018-01-12. Review status: criteria provided, single submitter. Criteria: ICSL Variant Classification Criteria 13 December 2019. Collection method: clinical testing. Allele origin: germline.
Comment: This variant was observed in the ICSL laboratory as part of a predisposition screen in an ostensibly healthy population. It had not been previously curated by ICSL or reported in the Human Gene Mutation Database (HGMD: prior to June 1st, 2018), and was therefore a candidate for classification through an automated scoring system. Utilizing variant allele frequency, disease prevalence and penetrance estimates, and inheritance mode, an automated score was calculated to assess if this variant is too frequent to cause the disease. Based on the score and internal cut-off values, a variant classified as benign is not then subjected to further curation. The score for this variant resulted in a classification of benign for this disease.